The following is an entry in ClinVar:

NM_001382567.1(STIM1):c.1604C>T (p.Thr535Met)

Gene: STIM1 (stromal interaction molecule 1; plus strand). Cytogenetic location: 11p15.4.
Variant type: single nucleotide variant.
Coding change: c.1604C>T on transcript NM_001382567.1 (MANE Select); coding-DNA position 1604, C replaced by T.
Protein change: p.Thr535Met; replaces threonine 535 with methionine.
Molecular consequence: missense variant. On other transcripts: non-coding transcript variant (3).
Genome position (GRCh38, 1-based): chr11:4,086,513, C>T. VCF-style: chr11-4086513-C-T. GRCh37 (hg19) VCF-style: chr11-4107743-C-T.
Other names: p.Thr504Met; c.1511C>T, p.Thr504Met (NM_001277961.3, NM_001277962.2, NM_003156.4); c.1289C>T, p.Thr430Met (NM_001382566.1, NM_001382575.1, NM_001382576.1 and 3 more transcripts); c.1532C>T, p.Thr511Met (NM_001382568.1); c.1376C>T, p.Thr459Met (NM_001382569.1); c.1283C>T, p.Thr428Met (NM_001382570.1); c.1031C>T, p.Thr344Met (NM_001382571.1); c.1022C>T, p.Thr341Met (NM_001382580.1, NM_001382581.1); short protein forms T504M, T341M, T344M, T428M, T430M, T459M, T511M, T535M.
Identifiers: ClinVar variation 461721 (VCV000461721.17), dbSNP rs146873551, ClinGen allele CA5830518.
Genomic context (GRCh38, chr11:4,086,513, plus strand): 5'-ACACTTTCTTTATTCTCCTTGCAGCCCCTAGCCTGCAGAGCAGTGTTCGGCAGCGCCTGA[C>T]GGAGCCACAGCATGGCCTGGGATCTCAGAGGTTGGTAGAGGGCGAGGCTGGCCACTTCTT-3'
Protein context (NP_001369496.1, residues 525-545): SLQSSVRQRL[Thr535Met]EPQHGLGSQR

ClinVar aggregate classification (germline): Benign/Likely benign. Review status: criteria provided, multiple submitters, no conflicts (2 of 4 stars). 5 submissions from 5 submitters: Benign (1); Likely benign (4). Last evaluated 2026-07-01.

Conditions:
Stormorken syndrome (STRMK). Also called: THROMBOCYTOPATHY, ASPLENIA, AND MIOSIS. Identifiers: Orphanet 3204, MedGen C1861451, MONDO:0008497, OMIM 185070.
Combined immunodeficiency due to STIM1 deficiency. Also called: STIM1 DEFICIENCY; IMMUNODEFICIENCY 10. Identifiers: Orphanet 169090, Orphanet 317430, MedGen C2748557, MONDO:0013008, OMIM 612783.
Myopathy with tubular aggregates (TAM). Also called: Tubular Aggregate Myopathy. Identifiers: Orphanet 2593, MedGen C0410207, MONDO:0008051.

Allele frequency attached by ClinVar (database versions not stated): gnomAD exomes 0.00028 and 0.00063; ExAC 0.00086; gnomAD 0.00256 and 0.00267; ESP Exome Variant Server 0.00285; TOPMed 0.00294; 1000 Genomes Project 0.00319; 1000 Genomes Project 30x 0.00359.
gnomAD v4.1: 799 of 1,614,180 alleles (0.049%); highest among the groups gnomAD compares: African/African-American, 0.78%; 2 homozygotes.

Submissions (5):

CeGaT Center for Human Genetics Tuebingen
Classification: Likely benign. Last evaluated: 2026-07-01. Review status: criteria provided, single submitter. Criteria: CeGaT Center For Human Genetics Tuebingen Variant Classification Criteria Version 2. Collection method: clinical testing. Allele origin: germline. Affected: yes. Observed: 1 variant allele.
Comment: STIM1: BP4, BS2

Labcorp Genetics (formerly Invitae), Labcorp
Classification: Benign for Myopathy with tubular aggregates; Combined immunodeficiency due to STIM1 deficiency; Stormorken syndrome. Last evaluated: 2026-01-26. Review status: criteria provided, single submitter. Criteria: Invitae Variant Classification Sherloc (09022015). Collection method: clinical testing. Allele origin: germline.

Blueprint Genetics
Classification: Likely benign. Last evaluated: 2024-06-12. Review status: criteria provided, single submitter. Criteria: ACMG Guidelines, 2015. Collection method: clinical testing. Allele origin: germline.

Mayo Clinic Laboratories, Mayo Clinic
Classification: Likely benign. Last evaluated: 2023-12-20. Review status: criteria provided, single submitter. Criteria: ACMG Guidelines, 2015. Collection method: clinical testing. Allele origin: germline. Observed: 8 variant alleles.
Comment: BS1, BP4

GeneDx
Classification: Likely benign. Last evaluated: 2021-04-24. Review status: criteria provided, single submitter. Criteria: GeneDx Variant Classification Process June 2021. Collection method: clinical testing. Allele origin: germline. Affected: yes.